The following is an entry in ClinVar:

ClinVar aggregate classification (germline): Uncertain significance (1 of 4 stars; one submission).

Conditions:
Accelerated tumor formation, susceptibility to (ACTFS). Identifiers: MedGen C3280690, OMIM 614401, MONDO:0013733.

Allele frequency attached by ClinVar (database versions not stated): TOPMed 0.00002; gnomAD 0.00005; ExAC 0.00014; 1000 Genomes Project 0.00040; 1000 Genomes Project 30x 0.00047.
gnomAD v4.1: 103 of 1,614,020 alleles (0.0064%); highest among the groups gnomAD compares: South Asian, 0.081%; no homozygotes.

Submission:

Labcorp Genetics (formerly Invitae), Labcorp
Classification: Uncertain significance for Accelerated tumor formation, susceptibility to. Last evaluated: 2022-04-01. Review status: criteria provided, single submitter. Criteria: Invitae Variant Classification Sherloc (09022015). Collection method: clinical testing. Allele origin: germline.
Comment: This sequence change replaces isoleucine, which is neutral and non-polar, with valine, which is neutral and non-polar, at codon 372 of the MDM2 protein (p.Ile372Val). This variant is present in population databases (rs562818818, gnomAD 0.1%), and has an allele count higher than expected for a pathogenic variant. This variant has not been reported in the literature in individuals affected with MDM2-related conditions. Algorithms developed to predict the effect of missense changes on protein structure and function (SIFT, PolyPhen-2, Align-GVGD) all suggest that this variant is likely to be tolerated. In summary, the available evidence is currently insufficient to determine the role of this variant in disease. Therefore, it has been classified as a Variant of Uncertain Significance.

NM_002392.6(MDM2):c.1114A>G (p.Ile372Val)

Gene: MDM2 (MDM2 proto-oncogene; plus strand). Cytogenetic location: 12q15.
Variant type: single nucleotide variant.
Coding change: c.1114A>G on transcript NM_002392.6 (MANE Select); coding-DNA position 1114, A replaced by G.
Protein change: p.Ile372Val; replaces isoleucine 372 with valine.
Molecular consequence: missense variant.
Genome position (GRCh38, 1-based): chr12:68,839,469, A>G. VCF-style: chr12-68839469-A-G. GRCh37 (hg19) VCF-style: chr12-69233249-A-G.
Other names: c.955A>G, p.Ile319Val (NM_001145337.3); c.949A>G, p.Ile317Val (NM_001145339.2); c.508A>G, p.Ile170Val (NM_001145340.3); c.586A>G, p.Ile196Val (NM_001278462.2); c.1096A>G, p.Ile366Val (NM_001367990.1); short protein forms I170V, I196V, I372V, I317V, I366V, I319V.
Identifiers: ClinVar variation 1934140 (VCV001934140.5), dbSNP rs562818818, ClinGen allele CA6678863.